The following is an entry in ClinVar:

NM_002471.4(MYH6):c.4536G>A (p.Ser1512=)

Gene: MYH6 (myosin heavy chain 6; minus strand). Cytogenetic location: 14q11.2.
Variant type: single nucleotide variant.
Coding change: c.4536G>A on transcript NM_002471.4 (MANE Select); coding-DNA position 4536, G replaced by A.
Protein change: p.Ser1512=; no amino-acid change (serine 1512 retained).
Molecular consequence: synonymous variant.
Genome position (GRCh38, 1-based): chr14:23,387,643, C>T on the plus strand (G>A on the coding strand, the complement: MYH6 is on the minus strand). VCF-style: chr14-23387643-C-T. GRCh37 (hg19) VCF-style: chr14-23856852-C-T.
Identifiers: ClinVar variation 44516 (VCV000044516.46), dbSNP rs142539180, ClinGen allele CA134415.

ClinVar aggregate classification (germline): Benign/Likely benign. Review status: criteria provided, multiple submitters, no conflicts (2 of 4 stars). 8 submissions from 8 submitters: Benign (2); Likely benign (6). Last evaluated 2026-01-15.

Conditions:
Hypertrophic cardiomyopathy 1 (CMH1). Also called: Familial hypertrophic cardiomyopathy 1; MYH7-Related Familial Hypertrophic Cardiomyopathy. Identifiers: MedGen C3495498, MONDO:0008647, OMIM 192600.
Hypertrophic cardiomyopathy 14. Identifiers: MedGen C2750467, MONDO:0013197, OMIM 613251.
Dilated cardiomyopathy 1EE (CMD1EE). Identifiers: Orphanet 154, MedGen C2750466, MONDO:0013198, OMIM 613252.
Sick sinus syndrome 3, susceptibility to (SSS3). Identifiers: Orphanet 166282, MedGen C3279791, MONDO:0013568, OMIM 614090.
Atrial septal defect 3 (ASD3). Identifiers: Orphanet 1478, MedGen C3279790, MONDO:0013567, OMIM 614089.
Cardiovascular phenotype. Identifiers: MedGen CN230736.

Allele frequency attached by ClinVar (database versions not stated): ESP Exome Variant Server 0.00015; gnomAD 0.00018 and 0.00027; TOPMed 0.00031; gnomAD exomes 0.00049; 1000 Genomes Project 30x 0.00094; 1000 Genomes Project 0.00120.
gnomAD v4.1: 469 of 1,614,066 alleles (0.029%); highest among the groups gnomAD compares: East Asian, 0.68%; 1 homozygote.

Submissions (8):

Labcorp Genetics (formerly Invitae), Labcorp
Classification: Benign for Hypertrophic cardiomyopathy 14. Last evaluated: 2026-01-15. Review status: criteria provided, single submitter. Criteria: Invitae Variant Classification Sherloc (09022015). Collection method: clinical testing. Allele origin: germline.

Blueprint Genetics
Classification: Likely benign. Last evaluated: 2024-11-01. Review status: criteria provided, single submitter. Criteria: ACMG Guidelines, 2015. Collection method: clinical testing. Allele origin: germline.

CeGaT Center for Human Genetics Tuebingen
Classification: Likely benign. Last evaluated: 2023-07-01. Review status: criteria provided, single submitter. Criteria: CeGaT Center For Human Genetics Tuebingen Variant Classification Criteria Version 2. Collection method: clinical testing. Allele origin: germline. Affected: yes. Observed: 2 variant alleles.
Comment: MYH6: BP4, BP7

Fulgent Genetics
Classification: Likely benign for Hypertrophic cardiomyopathy 1; Hypertrophic cardiomyopathy 14; Dilated cardiomyopathy 1EE; Atrial septal defect 3; Sick sinus syndrome 3, susceptibility to. Last evaluated: 2021-08-26. Review status: criteria provided, single submitter. Criteria: ACMG Guidelines, 2015. Collection method: clinical testing. Allele origin: unknown.

GeneDx
Classification: Likely benign. Last evaluated: 2021-01-13. Review status: criteria provided, single submitter. Criteria: GeneDx Variant Classification Process June 2021. Collection method: clinical testing. Allele origin: germline. Affected: yes.

Women's Health and Genetics/Laboratory Corporation of America, LabCorp
Classification: Benign. Last evaluated: 2019-07-04. Review status: criteria provided, single submitter. Criteria: LabCorp Variant Classification Summary - May 2015. Collection method: clinical testing. Allele origin: germline.

Ambry Genetics
Classification: Likely benign for Cardiovascular phenotype. Last evaluated: 2015-11-17. Review status: criteria provided, single submitter. Criteria: Ambry Variant Classification Scheme 2023. Collection method: clinical testing. Allele origin: germline.

Laboratory for Molecular Medicine, Mass General Brigham Personalized Medicine
Classification: Likely benign. Last evaluated: 2012-01-05. Review status: criteria provided, single submitter. Criteria: LMM Criteria. Collection method: clinical testing. Allele origin: germline. Observed: 1 variant allele.
Comment: Ser1512Ser in exon 32 of MYH6: This variant is not expected to have clinical sig nificance because it does not alter an amino acid residue and is not located wit hin the splice consensus sequence. This variant has been identified in 1/7020 Eu ropean American chromosomes and 1/3734 African American chromosomes in clinicall y unspecified cohorts (dbSNP rs142539180). Se r1512Ser in exon 32 of MYH6 (rs142539180, NHBLI Exome Seq Project; 1/7020)